The following is an entry in ClinVar:

ClinVar aggregate classification (germline): Likely benign. Review status: criteria provided, multiple submitters, no conflicts (2 of 4 stars). 4 submissions from 4 submitters: Likely benign (3). 1 of the submissions does not count toward it. Last evaluated 2026-04-01.

Conditions:
Glycogen storage disease type III (GSD3). Also called: FORBES DISEASE; Cori disease. Identifiers: Orphanet 366, MedGen C0017922, MONDO:0009291, OMIM 232400.

Allele frequency attached by ClinVar (database versions not stated): TOPMed below 0.00001; gnomAD 0.00001; gnomAD exomes 0.00001 and 0.00002; ExAC 0.00002.
gnomAD v4.1: 10 of 1,612,730 alleles (0.00062%); highest among the groups gnomAD compares: Non-Finnish European, 0.00085%; no homozygotes.

Submissions (4):

CeGaT Center for Human Genetics Tuebingen
Classification: Likely benign. Last evaluated: 2026-04-01. Review status: criteria provided, single submitter. Criteria: CeGaT Center For Human Genetics Tuebingen Variant Classification Criteria Version 2. Collection method: clinical testing. Allele origin: germline. Affected: yes. Observed: 1 variant allele.
Comment: AGL: BP4, BP7

Labcorp Genetics (formerly Invitae), Labcorp
Classification: Likely benign for Glycogen storage disease type III. Last evaluated: 2025-12-01. Review status: criteria provided, single submitter. Criteria: Invitae Variant Classification Sherloc (09022015). Collection method: clinical testing. Allele origin: germline.

Laboratory of Genetics, Children's Clinical University Hospital Latvia
Classification: Likely benign. Last evaluated: 2025-02-16. Review status: criteria provided, single submitter. Criteria: ACMG Guidelines, 2015. Collection method: clinical testing. Allele origin: germline. Affected: yes.

Natera, Inc.
Classification: Uncertain significance for Glycogen storage disease type III. Last evaluated: 2020-12-07. Review status: no assertion criteria provided. Collection method: clinical testing. Allele origin: germline. Not counted in ClinVar's aggregate classification.

NM_000642.3(AGL):c.3771C>T (p.Gly1257=)

Gene: AGL (amylo-alpha-1,6-glucosidase and 4-alpha-glucanotransferase; plus strand). Cytogenetic location: 1p21.2.
Variant type: single nucleotide variant.
Coding change: c.3771C>T on transcript NM_000642.3 (MANE Select); coding-DNA position 3771, C replaced by T.
Protein change: p.Gly1257=; no amino-acid change (glycine 1257 retained).
Molecular consequence: synonymous variant.
Genome position (GRCh38, 1-based): chr1:99,910,782, C>T. VCF-style: chr1-99910782-C-T. GRCh37 (hg19) VCF-style: chr1-100376338-C-T.
Other names: c.3723C>T, p.Gly1241= (NM_000646.3); c.3771C>T, p.Gly1257= (NM_001425325.1, NM_000028.3, NM_000643.3 and 1 more transcripts); c.3750C>T, p.Gly1250= (NM_001425326.1); c.3570C>T, p.Gly1190= (NM_001425327.1); c.3567C>T, p.Gly1189= (NM_001425328.1); c.3432C>T, p.Gly1144= (NM_001425329.1); c.3393C>T, p.Gly1131= (NM_001425332.1).
Identifiers: ClinVar variation 1018181 (VCV001018181.14), dbSNP rs760738241, ClinGen allele CA967212.
Genomic context (GRCh38, chr1:99,910,782, plus strand): 5'-AACTGCAGGAGTTGATGAAGAAACAGGATTTGTTTATGGAGGAAATCGTTTCAATTGTGG[C>T]ACATGGATGGATAAAATGGGAGAAAGTGACAGAGCTAGAAACAGAGGAATCCCAGCCACA-3'
Protein context (NP_000633.2, residues 1247-1267): FVYGGNRFNC[Gly1257=]TWMDKMGESD